The following is an entry in ClinVar:

ClinVar aggregate classification (germline): Uncertain significance (1 of 4 stars; one submission).

Conditions:
Gastrointestinal stromal tumor. Also called: Gastrointestinal stromal tumor, somatic; Gastrointestinal stroma tumor. Identifiers: Orphanet 44890, MedGen C0238198, MeSH D046152, MONDO:0011719, OMIM 606764, HP:0100723.

Submission:

Labcorp Genetics (formerly Invitae), Labcorp
Classification: Uncertain significance for Gastrointestinal stromal tumor. Last evaluated: 2019-09-26. Review status: criteria provided, single submitter. Criteria: Invitae Variant Classification Sherloc (09022015). Collection method: clinical testing. Allele origin: germline.
Comment: In summary, the available evidence is currently insufficient to determine the role of this variant in disease. Therefore, it has been classified as a Variant of Uncertain Significance. This variant has not been reported in the literature in individuals with KIT-related conditions. This variant results in a copy number gain of the genomic region encompassing exons 15-21 of the KIT gene. The 5' boundary is likely confined to intron 14. The 3' end of this event is unknown as it extends beyond the assayed region for this gene and therefore may encompass additional genes. As the precise location of this event is unknown, it may be in tandem or it may be located elsewhere in the genome.

NC_000004.12:g.(?_54731318)_(54738557_?)dup

Gene: KIT (KIT proto-oncogene, receptor tyrosine kinase; plus strand). Cytogenetic location: 4q12.
Variant type: Duplication.
Identifiers: ClinVar variation 830976 (VCV000830976.4).